The following is an entry in ClinVar:

NM_000277.3(PAH):c.586T>A (p.Ser196Thr)

Gene: PAH (phenylalanine hydroxylase; minus strand). Cytogenetic location: 12q23.2.
Variant type: single nucleotide variant.
Coding change: c.586T>A on transcript NM_000277.3 (MANE Select); coding-DNA position 586, T replaced by A.
Protein change: p.Ser196Thr; replaces serine 196 with threonine.
Molecular consequence: missense variant.
Genome position (GRCh38, 1-based): chr12:102,855,256, A>T on the plus strand (T>A on the coding strand, the complement: PAH is on the minus strand). VCF-style: chr12-102855256-A-T. GRCh37 (hg19) VCF-style: chr12-103249034-A-T.
Other names: NM_001354304.2:c.586T>A; c.586T>A, p.Ser196Thr (NM_001354304.2); short protein forms S196T.
Identifiers: ClinVar variation 2573211 (VCV002573211.1), dbSNP rs2136649583, ClinGen allele CA16020822.

ClinVar aggregate classification (germline): Uncertain significance (3 of 4 stars; one submission).

Conditions:
Phenylketonuria (PKU). Also called: FOLLING DISEASE; Phenylketonurias; Phenylketonuria (PKU); OLIGOPHRENIA PHENYLPYRUVICA. Identifiers: Orphanet 716, MedGen C0031485, MONDO:0009861, OMIM 261600. Disease mechanism: loss of function.

Submission:

ClinGen PAH Variant Curation Expert Panel
Classification: Uncertain significance for Phenylketonuria. Last evaluated: 2023-03-24. Review status: reviewed by expert panel. Criteria: ClinGen PAH ACMG Specifications v1. Collection method: curation. Allele origin: germline. Inheritance: Autosomal recessive inheritance.
Comment: The c.586T>A (p.Ser196Thr) variant in PAH has been reported in at least one individual with mild hyperphenylalanemia, where it was observed in trans to c.1055del (p.Gly352fs), which is classified as pathogenic by the PAH VCEP (Variation ID: 102498). In-vitro functional studies are unavailable. This variant is absent from population databases. Multiple lines of computational evidence do not support a deleterious effect. In summary, this variant meets criteria to be classified as a variant of uncertain significance for PAH. PAH-specific ACMG/AMP criteria applied: PM2, PM3, BP4, PP4.